The following is an entry in ClinVar:

NM_001378615.1(CC2D2A):c.3772-4G>A

Genes: CC2D2A (coiled-coil and C2 domain containing 2A; plus strand), FBXL5 (F-box and leucine rich repeat protein 5; minus strand). Cytogenetic location: 4p15.32.
Variant type: single nucleotide variant.
Coding change: c.3772-4G>A on transcript NM_001378615.1 (MANE Select); 4 bases into the intron before coding-DNA position 3772, G replaced by A.
Molecular consequence: intron variant.
Genome position (GRCh38, 1-based): chr4:15,579,964, G>A. VCF-style: chr4-15579964-G-A. GRCh37 (hg19) VCF-style: chr4-15581587-G-A.
Other names: c.3772-4G>A (NM_001080522.2); c.3625-4G>A (NM_001378617.1).
Identifiers: ClinVar variation 1594156 (VCV001594156.11), dbSNP rs369928983, ClinGen allele CA2864234.

ClinVar aggregate classification (germline): Likely benign. Review status: criteria provided, multiple submitters, no conflicts (2 of 4 stars). 3 submissions from 3 submitters: Likely benign (2). 1 of the submissions does not count toward it. Last evaluated 2025-12-19.

Conditions:
CC2D2A-related disorder. Also called: CC2D2A-related disorders; CC2D2A-related condition. Identifiers: MedGen CN239313.
Joubert syndrome. Also called: JOUBERT-BOLTSHAUSER SYNDROME; Familial aplasia of the vermis. Identifiers: Orphanet 475, MedGen C5979921, MONDO:0018772.
Meckel-Gruber syndrome. Also called: DYSENCEPHALIA SPLANCHNOCYSTICA; GRUBER SYNDROME; Dysencephalia splachnocystica. Identifiers: Orphanet 564, MedGen C0265215, MONDO:0018921.

Allele frequency attached by ClinVar (database versions not stated): TOPMed 0.00003; gnomAD 0.00007 and 0.00009; ESP Exome Variant Server 0.00008.
gnomAD v4.1: 83 of 1,610,568 alleles (0.0052%); highest among the groups gnomAD compares: Non-Finnish European, 0.0064%; no homozygotes.

Submissions (3):

Labcorp Genetics (formerly Invitae), Labcorp
Classification: Likely benign for Joubert syndrome; Meckel-Gruber syndrome. Last evaluated: 2025-12-19. Review status: criteria provided, single submitter. Criteria: Invitae Variant Classification Sherloc (09022015). Collection method: clinical testing. Allele origin: germline.

Blueprint Genetics
Classification: Likely benign. Last evaluated: 2024-11-22. Review status: criteria provided, single submitter. Criteria: ACMG Guidelines, 2015. Collection method: clinical testing. Allele origin: germline.

PreventionGenetics, part of Exact Sciences
Classification: Likely benign for CC2D2A-related condition. Last evaluated: 2019-08-02. Review status: no assertion criteria provided. Collection method: clinical testing. Allele origin: germline. Not counted in ClinVar's aggregate classification.
Comment: This variant is classified as likely benign based on ACMG/AMP sequence variant interpretation guidelines (Richards et al. 2015 PMID: 25741868, with internal and published modifications).